The following is an entry in ClinVar:

ClinVar aggregate classification (germline): Uncertain significance. Review status: criteria provided, multiple submitters, no conflicts (2 of 4 stars). 2 submissions from 2 submitters: Uncertain significance (2). Last evaluated 2025-07-21.

Conditions:
Dilated cardiomyopathy 1DD (CMD1DD). Identifiers: Orphanet 154, MedGen C2750995, MONDO:0013168, OMIM 613172.

Submissions (2):

GeneDx
Classification: Uncertain significance. Last evaluated: 2025-07-21. Review status: criteria provided, single submitter. Criteria: GeneDx Variant Classification Process June 2021. Collection method: clinical testing. Allele origin: germline. Affected: yes.
Comment: Not observed at significant frequency in large population cohorts (gnomAD); In silico analysis suggests that this missense variant does not alter protein structure/function; Has not been previously published as pathogenic or benign to our knowledge

Labcorp Genetics (formerly Invitae), Labcorp
Classification: Uncertain significance for Dilated cardiomyopathy 1DD. Last evaluated: 2024-07-16. Review status: criteria provided, single submitter. Criteria: Invitae Variant Classification Sherloc (09022015). Collection method: clinical testing. Allele origin: germline.
Comment: This sequence change replaces glycine, which is neutral and non-polar, with alanine, which is neutral and non-polar, at codon 1079 of the RBM20 protein (p.Gly1079Ala). This variant is not present in population databases (gnomAD no frequency). This variant has not been reported in the literature in individuals affected with RBM20-related conditions. Advanced modeling of protein sequence and biophysical properties (such as structural, functional, and spatial information, amino acid conservation, physicochemical variation, residue mobility, and thermodynamic stability) performed at Invitae indicates that this missense variant is not expected to disrupt RBM20 protein function with a negative predictive value of 95%. In summary, the available evidence is currently insufficient to determine the role of this variant in disease. Therefore, it has been classified as a Variant of Uncertain Significance.

NM_001134363.3(RBM20):c.3236G>C (p.Gly1079Ala)

Gene: RBM20 (RNA binding motif protein 20; plus strand). Cytogenetic location: 10q25.2.
Variant type: single nucleotide variant.
Coding change: c.3236G>C on transcript NM_001134363.3 (MANE Select); coding-DNA position 3236, G replaced by C.
Protein change: p.Gly1079Ala; replaces glycine 1079 with alanine.
Molecular consequence: missense variant.
Genome position (GRCh38, 1-based): chr10:110,821,855, G>C. VCF-style: chr10-110821855-G-C. GRCh37 (hg19) VCF-style: chr10-112581613-G-C.
Other names: short protein forms G1079A.
Identifiers: ClinVar variation 3682413 (VCV003682413.3).